The following is an entry in ClinVar:

NM_017780.4(CHD7):c.6809A>G (p.Glu2270Gly)

Gene: CHD7 (chromodomain helicase DNA binding protein 7; plus strand). Cytogenetic location: 8q12.2.
Variant type: single nucleotide variant.
Coding change: c.6809A>G on transcript NM_017780.4 (MANE Select); coding-DNA position 6809, A replaced by G.
Protein change: p.Glu2270Gly; replaces glutamic acid 2270 with glycine.
Molecular consequence: missense variant. On other transcripts: intron variant (1).
Genome position (GRCh38, 1-based): chr8:60,854,396, A>G. VCF-style: chr8-60854396-A-G. GRCh37 (hg19) VCF-style: chr8-61766955-A-G.
Other names: c.1717-7833A>G (NM_001316690.1); short protein forms E2270G.
Identifiers: ClinVar variation 2630873 (VCV002630873.1), dbSNP rs2488056511, ClinGen allele CA371294640.

ClinVar aggregate classification (germline): Uncertain significance (1 of 4 stars; one submission).

Conditions:
CHD7-related disorder. Also called: CHD7-related condition.

Submission:

PreventionGenetics, part of Exact Sciences
Classification: Uncertain significance for CHD7-related condition. Last evaluated: 2023-10-05. Review status: criteria provided, single submitter. Criteria: ACMG Guidelines, 2015. Collection method: clinical testing. Allele origin: germline.
Comment: The CHD7 c.6809A>G variant is predicted to result in the amino acid substitution p.Glu2270Gly. To our knowledge, this variant has not been reported in the literature or in a large population database, indicating this variant is rare. At this time, the clinical significance of this variant is uncertain due to the absence of conclusive functional and genetic evidence.